The following is an entry in ClinVar:

ClinVar aggregate classification (germline): Pathogenic (1 of 4 stars; one submission).

Conditions:
GLUT1 deficiency syndrome 1, autosomal recessive. Identifiers: MedGen C3149117.

Submission:

Labcorp Genetics (formerly Invitae), Labcorp
Classification: Pathogenic for GLUT1 deficiency syndrome 1, autosomal recessive. Last evaluated: 2024-01-30. Review status: criteria provided, single submitter. Criteria: Invitae Variant Classification Sherloc (09022015). Collection method: clinical testing. Allele origin: germline.
Comment: This sequence change replaces isoleucine, which is neutral and non-polar, with methionine, which is neutral and non-polar, at codon 386 of the SLC2A1 protein (p.Ile386Met). This variant is not present in population databases (gnomAD no frequency). This missense change has been observed in individual(s) with clinical features of GLUT1-deficiency syndrome (Invitae). In at least one individual the variant was observed to be de novo. Advanced modeling of protein sequence and biophysical properties (such as structural, functional, and spatial information, amino acid conservation, physicochemical variation, residue mobility, and thermodynamic stability) performed at Invitae indicates that this missense variant is expected to disrupt SLC2A1 protein function with a positive predictive value of 95%. For these reasons, this variant has been classified as Pathogenic.

NM_006516.4(SLC2A1):c.1158C>G (p.Ile386Met)

Gene: SLC2A1 (solute carrier family 2 member 1; minus strand). Cytogenetic location: 1p34.2.
Variant type: single nucleotide variant.
Coding change: c.1158C>G on transcript NM_006516.4 (MANE Select); coding-DNA position 1158, C replaced by G.
Protein change: p.Ile386Met; replaces isoleucine 386 with methionine.
Molecular consequence: missense variant.
Genome position (GRCh38, 1-based): chr1:42,927,725, G>C on the plus strand (C>G on the coding strand, the complement: SLC2A1 is on the minus strand). VCF-style: chr1-42927725-G-C. GRCh37 (hg19) VCF-style: chr1-43393396-G-C.
Other names: short protein forms I386M.
Identifiers: ClinVar variation 2702186 (VCV002702186.3), dbSNP rs2524984688, ClinGen allele CA339953976.